The following is an entry in ClinVar:

ClinVar aggregate classification (germline): Likely benign. Review status: criteria provided, multiple submitters, no conflicts (2 of 4 stars). 5 submissions from 5 submitters: Likely benign (2). 3 of the submissions do not count toward it. Last evaluated 2018-06-16.

Conditions:
TMEM67-related disorder. Also called: TMEM67-related disorders; TMEM67-related condition. Identifiers: MedGen CN239423.

Allele frequency attached by ClinVar (database versions not stated): gnomAD exomes 0.00136 and 0.00188; ExAC 0.00688; gnomAD 0.01839 and 0.01971; 1000 Genomes Project 30x 0.02092; 1000 Genomes Project 0.02097; TOPMed 0.02097.
gnomAD v4.1: 4,812 of 1,537,528 alleles (0.31%); highest among the groups gnomAD compares: African/African-American, 5.7%; 132 homozygotes.

Submissions (5):

GeneDx
Classification: Likely benign. Last evaluated: 2018-06-16. Review status: criteria provided, single submitter. Criteria: GeneDx Variant Classification (06012015). Collection method: clinical testing. Allele origin: germline. Affected: yes.
Comment: This variant is considered likely benign or benign based on one or more of the following criteria: it is a conservative change, it occurs at a poorly conserved position in the protein, it is predicted to be benign by multiple in silico algorithms, and/or has population frequency not consistent with disease.

Breakthrough Genomics
Classification: Likely benign. Review status: criteria provided, single submitter. Criteria: ACMG Guidelines, 2015. Collection method: not provided. Allele origin: germline. Inheritance: Autosomal recessive inheritance. Affected: yes.

PreventionGenetics, part of Exact Sciences
Classification: Benign for TMEM67-related condition. Last evaluated: 2019-11-19. Review status: no assertion criteria provided. Collection method: clinical testing. Allele origin: germline. Not counted in ClinVar's aggregate classification.
Comment: This variant is classified as benign based on ACMG/AMP sequence variant interpretation guidelines (Richards et al. 2015 PMID: 25741868, with internal and published modifications).

Genome Diagnostics Laboratory, University Medical Center Utrecht
Classification: Benign. Review status: no assertion criteria provided. Collection method: clinical testing. Allele origin: germline. Affected: yes. Study: VKGL Data-share Consensus. Not counted in ClinVar's aggregate classification.

Laboratory of Diagnostic Genome Analysis, Leiden University Medical Center (LUMC)
Classification: Likely benign. Review status: no assertion criteria provided. Collection method: clinical testing. Allele origin: germline. Affected: yes. Study: VKGL Data-share Consensus. Not counted in ClinVar's aggregate classification.

NM_153704.6(TMEM67):c.406+1379G>A

Gene: TMEM67 (transmembrane protein 67; plus strand). Cytogenetic location: 8q22.1.
Variant type: single nucleotide variant.
Coding change: c.406+1379G>A on transcript NM_153704.6 (MANE Select); 1379 bases into the intron after coding-DNA position 406, G replaced by A.
Molecular consequence: intron variant. On other transcripts: missense variant (1).
Genome position (GRCh38, 1-based): chr8:93,759,955, G>A. VCF-style: chr8-93759955-G-A. GRCh37 (hg19) VCF-style: chr8-94772183-G-A.
Other names: c.125G>A, p.Cys42Tyr (NM_001142301.1); short protein forms C42Y.
Identifiers: ClinVar variation 675894 (VCV000675894.6), dbSNP rs60659894, ClinGen allele CA4807626.
Genomic context (GRCh38, chr8:93,759,955, plus strand): 5'-TGCCTCAGCCTCCCAAAGTGCTGGGATACAGGCTTGAGCCACCGCACCTGACCTTGGCAT[G>A]TACTTTAGAAGGAATGTACAACATAATTGAAGAAATTTGTGAGTATTACTGAGGGATATG-3'